The following is an entry in ClinVar:

ClinVar aggregate classification (germline): Pathogenic. Review status: criteria provided, single submitter (1 of 4 stars). 2 submissions from 2 submitters: Pathogenic (1). 1 of the submissions does not count toward it. Last evaluated 2024-03-12.

Conditions:
Syndromic X-linked intellectual disability 94 (MRXSW). Also called: MENTAL RETARDATION, X-LINKED, SYNDROMIC 29; X-linked intellectual disability due to GRIA3 anomalies. Identifiers: Orphanet 364028, MedGen C2678051, MONDO:0010402, OMIM 300699.

Submissions (2):

GeneDx
Classification: Pathogenic. Last evaluated: 2024-03-12. Review status: criteria provided, single submitter. Criteria: GeneDx Variant Classification Process June 2021. Collection method: clinical testing. Allele origin: germline. Affected: yes.
Comment: Published functional studies demonstrate G833R is damaging to GluR3 protein function (PMID: 17989220); Not observed in large population cohorts (gnomAD); In silico analysis supports that this missense variant has a deleterious effect on protein structure/function; This variant is associated with the following publications: (PMID: 17989220, 24721225, 26350204)

OMIM
Classification: Pathogenic for INTELLECTUAL DEVELOPMENT DISORDER, X-LINKED, SYNDROMIC, WU TYPE. Last evaluated: 2007-11-13. Review status: no assertion criteria provided. Collection method: literature only. Allele origin: germline. Not counted in ClinVar's aggregate classification.

Literature cited by the submitters: PubMed 17989220 (cited by OMIM).

NM_007325.5(GRIA3):c.2497G>A (p.Gly833Arg)

Gene: GRIA3 (glutamate ionotropic receptor AMPA type subunit 3; plus strand). Cytogenetic location: Xq25.
Variant type: single nucleotide variant.
Coding change: c.2497G>A on transcript NM_007325.5 (MANE Select); coding-DNA position 2497, G replaced by A.
Protein change: p.Gly833Arg; replaces glycine 833 with arginine.
Molecular consequence: missense variant.
Genome position (GRCh38, 1-based): chrX:123,482,856, G>A. VCF-style: chrX-123482856-G-A. GRCh37 (hg19) VCF-style: chrX-122616707-G-A.
Other names: c.2497G>A, p.Gly833Arg (NM_000828.5); c.2497G>A (NM_000828.4); short protein forms G833R.
Identifiers: ClinVar variation 10356 (VCV000010356.3), dbSNP rs137852350, ClinGen allele CA120933.